The following is an entry in ClinVar:

ClinVar aggregate classification (germline): Likely benign. Review status: criteria provided, multiple submitters, no conflicts (2 of 4 stars). 2 submissions from 2 submitters: Likely benign (2). Last evaluated 2025-06-05.

Conditions:
Tuberous sclerosis 2 (TSC2). Identifiers: Orphanet 805, MedGen C1860707, MONDO:0013199, OMIM 613254.

Submissions (2):

Myriad Genetics, Inc.
Classification: Likely benign for Tuberous sclerosis 2. Last evaluated: 2025-06-05. Review status: criteria provided, single submitter. Criteria: Myriad Autosomal Dominant, Autosomal Recessive and X-Linked Classification Criteria (2023). Collection method: clinical testing. Allele origin: unknown.
Comment: This variant is considered likely benign. This variant is intronic and is not expected to impact mRNA splicing.

Labcorp Genetics (formerly Invitae), Labcorp
Classification: Likely benign for Tuberous sclerosis 2. Last evaluated: 2024-08-15. Review status: criteria provided, single submitter. Criteria: Invitae Variant Classification Sherloc (09022015). Collection method: clinical testing. Allele origin: germline.

NM_000548.5(TSC2):c.5069-19G>T

Gene: TSC2 (TSC complex subunit 2; plus strand). Cytogenetic location: 16p13.3.
Variant type: single nucleotide variant.
Coding change: c.5069-19G>T on transcript NM_000548.5 (MANE Select); 19 bases into the intron before coding-DNA position 5069, G replaced by T.
Molecular consequence: intron variant.
Genome position (GRCh38, 1-based): chr16:2,088,029, G>T. VCF-style: chr16-2088029-G-T. GRCh37 (hg19) VCF-style: chr16-2138030-G-T.
Other names: c.3527-19G>T (NM_001406693.1, NM_001406692.1, NM_001406694.1); c.4961-19G>T (NM_001406667.1); c.4958-19G>T (NM_001406668.1); c.4469-19G>T (NM_001406680.1); c.4400-19G>T (NM_001406683.1, NM_001406682.1); c.4268-19G>T (NM_001406687.1, NM_001406688.1); c.3656-19G>T (NM_001406689.1); c.3596-19G>T (NM_001406690.1); and 26 more.
Identifiers: ClinVar variation 2910627 (VCV002910627.4), dbSNP rs775918252, ClinGen allele CA2202030106.